The following is an entry in ClinVar:

NM_000095.3(COMP):c.1126G>A (p.Asp376Asn)

Gene: COMP (cartilage oligomeric matrix protein; minus strand). Cytogenetic location: 19p13.11.
Variant type: single nucleotide variant.
Coding change: c.1126G>A on transcript NM_000095.3 (MANE Select); coding-DNA position 1126, G replaced by A.
Protein change: p.Asp376Asn; replaces aspartic acid 376 with asparagine.
Molecular consequence: missense variant.
Genome position (GRCh38, 1-based): chr19:18,787,500, C>T on the plus strand (G>A on the coding strand, the complement: COMP is on the minus strand). VCF-style: chr19-18787500-C-T. GRCh37 (hg19) VCF-style: chr19-18898309-C-T.
Other names: c.1126G>A (NM_000095.2); short protein forms D376N.
Identifiers: ClinVar variation 1676245 (VCV001676245.3), dbSNP rs1555791556, ClinGen allele CA404887730.

ClinVar aggregate classification (germline): Pathogenic/Likely pathogenic. Review status: criteria provided, multiple submitters, no conflicts (2 of 4 stars). 2 submissions from 2 submitters: Pathogenic (1); Likely pathogenic (1). Last evaluated 2026-03-23.

Conditions:
COMP-related disorder. Also called: COMP-related condition; COMP-related disorders.
Multiple epiphyseal dysplasia type 1. Also called: COMP-Related Multiple Epiphyseal Dysplasia. Identifiers: Orphanet 93308, MedGen C1838280, MONDO:0007561, OMIM 132400.

Submissions (2):

PreventionGenetics, part of Exact Sciences
Classification: Pathogenic for COMP-related condition. Last evaluated: 2026-03-23. Review status: criteria provided, single submitter. Criteria: ACMG Guidelines, 2015. Collection method: clinical testing. Allele origin: germline.
Comment: The COMP c.1126G>A variant is predicted to result in the amino acid substitution p.Asp376Asn. This variant has been reported in multiple individuals with multiple epiphyseal dysplasia and pseudoachondroplasia (Zankl et al. 2007. PubMed ID: 17133256; Briggs et al. 2014. PubMed ID: 22459539; Kim et al. 2011. PubMed ID: 21965141). Additionally, alternative substitutions affecting the same amino acid residue (p.Asp376Tyr, p.Asp376Val, and p.Asp376His) have been reported in individuals with COMP-related conditions (see exampe: El-Lababidi et al. 2020. PubMed ID: 33030144; Kennedy. 2005. PubMed ID: 15756302; Kim et al. 2011. PubMed ID: 21965141). This variant has not been reported in a large population database (gnomAD), indicating this variant is rare. Taken together, this evidence supports classification of the variant as pathogenic.

Molecular Genetics, Royal Melbourne Hospital
Classification: Likely pathogenic for Multiple epiphyseal dysplasia type 1. Last evaluated: 2022-04-05. Review status: criteria provided, single submitter. Criteria: ACMG Guidelines, 2015. Collection method: clinical testing. Allele origin: germline. Affected: yes.
Comment: This sequence change in COMP is predicted to replace aspartic acid with asparagine at codon 376, p.(Asp376Asn). The aspartic acid residue is highly conserved (100 vertebrates, UCSC), and is located in the type-3 consensus motif in thrombospondin type-3 repeat 4, that is characteristic of a calcium-binding pocket and a critical functional domain (PMID: 24595329). There is a small physicochemical difference between aspartic acid and asparagine. This variant is absent from gnomAD v2.1 and v3.1. This variant has been reported in at least three probands a clinical diagnosis of multiple epiphyseal dysplasia (PMID: 17133256, 24595329; Royal Melbourne Hospital). Multiple lines of computational evidence predict a deleterious effect for the missense substitution (4/5 algorithms). Other missense variants (c.1127A>T, p.Asp376Val; c.1126G>C, p.Asp376His; c.1126G>T p.Asp376Tyr) in the same codon with larger physicochemical differences have been reported in patients with multiple epiphyseal dysplasia or pseudoachondroplasia (PMID: 15756302, 21965141, 33030144). Based on the classification scheme RMH Modified ACMG Guidelines v1.4.0, this variant is classified as LIKELY PATHOGENIC. Following criteria are met: PS4_Moderate, PM1, PM2_Supporting, PP3.

Literature cited by the submitters: PubMed 15756302 (cited by Molecular Genetics, Royal Melbourne Hospital); PubMed 17133256 (cited by Molecular Genetics, Royal Melbourne Hospital); PubMed 21965141 (cited by Molecular Genetics, Royal Melbourne Hospital); PubMed 24595329 (cited by Molecular Genetics, Royal Melbourne Hospital); PubMed 33030144 (cited by Molecular Genetics, Royal Melbourne Hospital).